The following is an entry in ClinVar:

NM_000206.3(IL2RG):c.664C>T (p.Arg222Cys)

Gene: IL2RG (interleukin 2 receptor subunit gamma; minus strand). Cytogenetic location: Xq13.1.
Variant type: single nucleotide variant.
Coding change: c.664C>T on transcript NM_000206.3 (MANE Select); coding-DNA position 664, C replaced by T.
Protein change: p.Arg222Cys; replaces arginine 222 with cysteine.
Molecular consequence: missense variant.
Genome position (GRCh38, 1-based): chrX:71,109,321, G>A on the plus strand (C>T on the coding strand, the complement: IL2RG is on the minus strand). VCF-style: chrX-71109321-G-A. GRCh37 (hg19) VCF-style: chrX-70329171-G-A.
Other names: NM_000206.3(IL2RG):c.664C>T; short protein forms R222C.
Identifiers: ClinVar variation 10027 (VCV000010027.21), dbSNP rs111033618, ClinGen allele CA120885.

ClinVar aggregate classification (germline): Pathogenic. Review status: reviewed by expert panel (3 of 4 stars). 9 submissions from 9 submitters: Pathogenic (1). 8 of the submissions do not count toward it. Last evaluated 2023-11-14.

Conditions:
IL2RG-related disorders.
Inborn genetic diseases. Identifiers: MedGen C0950123, MeSH D030342.
X-linked severe combined immunodeficiency (SCIDX1). Also called: T-B+ severe combined immunodeficiency due to gamma chain deficiency; X-Linked Combined Immunodeficiency Diseases; IMMUNODEFICIENCY 4; SCID, X-LINKED; SEVERE COMBINED IMMUNODEFICIENCY, X-LINKED, T CELL-NEGATIVE, B CELL-POSITIVE, NK CELL-NEGATIVE. Identifiers: Orphanet 276, MedGen C6022468, MONDO:0010315, OMIM 300400. Disease mechanism: loss of function.
Combined immunodeficiency, X-linked (CIDX). Also called: IMMUNODEFICIENCY 6. Identifiers: MedGen C6022467, MONDO:0010730, OMIM 312863.

Allele frequency attached by ClinVar (database versions not stated): gnomAD exomes below 0.00001.
gnomAD v4.1: 1 of 1,210,363 alleles (0.000083%); highest among the groups gnomAD compares: Non-Finnish European, 0.00011%; no homozygotes.

Submissions (9):

ClinGen Severe Combined Immunodeficiency Variant Curation Expert Panel, ClinGen
Classification: Pathogenic for X-linked severe combined immunodeficiency. Last evaluated: 2023-11-14. Review status: reviewed by expert panel. Criteria: ClinGen SCID ACMG Specifications IL2RG V1.0.0. Collection method: curation. Allele origin: germline. Inheritance: X-linked inheritance.
Comment: There are 5 genotype/phenotype positive individuals in the pedigree through 11 segregations of this variant (PMID: 29948574); P1 plus four second cousins are all hemizygous for this variant and affected with atypical SCID and an additional great uncle was also affected but not available for genotyping (5+ segregations; PP1_Strong). At least 15 additional male X-SCID patients have been reported (PMIDs: 25042067, 16227049, 10794431, 7557965) with this hemizygous variant (total 11pt; PS4) and this variant is absent from gnomADv2.1.1 (PM2_Supporting). In summary, this variant meets the criteria to be classified as pathogenic for X-linked T-B+ severe combined immunodeficiency due to gamma chain deficiency based on the ACMG/AMP criteria applied, as specified by the ClinGen SCID VCEP. Criteria applied: PS4, Pp1_Strong, PP4_Moderate and PM2_supporting. (VCEP specifications version 1).

Next Generation Genetic Polyclinic
Classification: Pathogenic for X-linked severe combined immunodeficiency. Last evaluated: 2025-03-12. Review status: criteria provided, single submitter. Criteria: ACMG Guidelines, 2015. Collection method: curation. Allele origin: germline. Affected: yes. Observed: 1 variant allele. Not counted in ClinVar's aggregate classification.
Comment: Previously reported pathogenic missense variant in IL2RG (c.664C>T; p.Arg222Cys), located within the γc cytokine receptor domain. Functional studies and clinical data support its damaging impact on protein function, associated with X-linked Severe Combined Immunodeficiency (SCID). The variant is not found in population databases (PM2), and multiple lines of computational evidence and case reports support its pathogenicity (PP3, PS4, PP1, PM1, PM5, PP5). Detected in a hemizygous or homozygous state depending on zygosity. Classified as Pathogenic. Meets ACMG criteria: PM1, PM2, PM5, PP3, PS4, PP1, PP5.

Blueprint Genetics
Classification: Pathogenic for IL2RG-related disorders. Last evaluated: 2024-09-23. Review status: criteria provided, single submitter. Criteria: ACMG Guidelines, 2015. Collection method: clinical testing. Allele origin: germline. Affected: yes. Observed: 1 variant allele. Not counted in ClinVar's aggregate classification.

Labcorp Genetics (formerly Invitae), Labcorp
Classification: Pathogenic for X-linked severe combined immunodeficiency. Last evaluated: 2023-10-23. Review status: criteria provided, single submitter. Criteria: Invitae Variant Classification Sherloc (09022015). Collection method: clinical testing. Allele origin: germline. Not counted in ClinVar's aggregate classification.
Comment: This sequence change replaces arginine, which is basic and polar, with cysteine, which is neutral and slightly polar, at codon 222 of the IL2RG protein (p.Arg222Cys). This variant is not present in population databases (gnomAD no frequency). This missense change has been observed in individuals with hypomorphic or atypical X-linked severe combined immunodeficiency (PMID: 7557965, 9399950, 10794431, 16227049, 25042067, 29948574, 31965297). ClinVar contains an entry for this variant (Variation ID: 10027). Advanced modeling of protein sequence and biophysical properties (such as structural, functional, and spatial information, amino acid conservation, physicochemical variation, residue mobility, and thermodynamic stability) performed at Invitae indicates that this missense variant is expected to disrupt IL2RG protein function. Experimental studies have shown that this missense change affects IL2RG function (PMID: 9399950, 25042067). For these reasons, this variant has been classified as Pathogenic.

Department of Human Genetics, Hannover Medical School
Classification: Pathogenic for Combined immunodeficiency, X-linked. Last evaluated: 2022-02-16. Review status: criteria provided, single submitter. Criteria: ACMG Guidelines, 2015. Collection method: clinical testing. Allele origin: germline. Inheritance: X-linked inheritance. Affected: yes. Not counted in ClinVar's aggregate classification.

Laboratorio de Genetica e Diagnostico Molecular, Hospital Israelita Albert Einstein
Classification: Pathogenic for X-linked severe combined immunodeficiency. Last evaluated: 2021-07-13. Review status: criteria provided, single submitter. Criteria: ACMG Guidelines, 2015. Collection method: clinical testing. Allele origin: germline. Affected: yes. Not counted in ClinVar's aggregate classification.
Comment: ACMG classification criteria: PS3 supporting, PS4 very strong, PM2 moderate, PP1 moderate, PP3 supporting

Ambry Genetics
Classification: Pathogenic for Inborn genetic diseases. Last evaluated: 2017-04-26. Review status: criteria provided, single submitter. Criteria: Ambry exome assertion method (8-5-2015). Collection method: clinical testing. Allele origin: germline. Affected: yes. Observed: 1 variant allele. Not counted in ClinVar's aggregate classification.

OMIM
Classification: Pathogenic for COMBINED IMMUNODEFICIENCY, X-LINKED. Last evaluated: 1997-12-15. Review status: no assertion criteria provided. Collection method: literature only. Allele origin: germline. Not counted in ClinVar's aggregate classification.

GeneReviews
No classification provided. Condition: X-linked severe combined immunodeficiency. Review status: no classification provided. Collection method: literature only. Allele origin: germline. Not counted in ClinVar's aggregate classification.

Literature cited by the submitters: PubMed 7557965 (cited by Labcorp Genetics (formerly Invitae), Labcorp and Ambry Genetics); PubMed 9399950 (cited by Labcorp Genetics (formerly Invitae), Labcorp and OMIM); PubMed 10794431 (cited by Labcorp Genetics (formerly Invitae), Labcorp); PubMed 16227049 (cited by Labcorp Genetics (formerly Invitae), Labcorp); PubMed 25042067 (cited by Labcorp Genetics (formerly Invitae), Labcorp and Ambry Genetics); PubMed 29948574 (cited by Labcorp Genetics (formerly Invitae), Labcorp); PubMed 31965297 (cited by Labcorp Genetics (formerly Invitae), Labcorp); PubMed 7668284 (cited by Ambry Genetics); PubMed 23683512 (cited by Ambry Genetics); NCBI Bookshelf NBK1410 (cited by GeneReviews); PubMed 20301584 (cited by GeneReviews).